The following is an entry in ClinVar:

ClinVar aggregate classification (germline): Uncertain significance. Review status: criteria provided, multiple submitters, no conflicts (2 of 4 stars). 3 submissions from 3 submitters: Uncertain significance (3). Last evaluated 2022-10-05.

Allele frequency attached by ClinVar (database versions not stated): ESP Exome Variant Server 0.00015; 1000 Genomes Project 30x 0.00016; 1000 Genomes Project 0.00020; TOPMed 0.00021; ExAC 0.00025; gnomAD 0.00025 and 0.00027; gnomAD exomes 0.00025.
gnomAD v4.1: 317 of 1,613,744 alleles (0.02%); highest among the groups gnomAD compares: Middle Eastern, 0.099%; 1 homozygote.

Submissions (3):

Labcorp Genetics (formerly Invitae), Labcorp
Classification: Uncertain significance. Last evaluated: 2022-10-05. Review status: criteria provided, single submitter. Criteria: Invitae Variant Classification Sherloc (09022015). Collection method: clinical testing. Allele origin: germline.
Comment: This sequence change replaces valine, which is neutral and non-polar, with leucine, which is neutral and non-polar, at codon 114 of the VPS33A protein (p.Val114Leu). This variant is present in population databases (rs147687101, gnomAD 0.08%). This variant has not been reported in the literature in individuals affected with VPS33A-related conditions. ClinVar contains an entry for this variant (Variation ID: 806959). Advanced modeling of protein sequence and biophysical properties (such as structural, functional, and spatial information, amino acid conservation, physicochemical variation, residue mobility, and thermodynamic stability) performed at Invitae indicates that this missense variant is not expected to disrupt VPS33A protein function. In summary, the available evidence is currently insufficient to determine the role of this variant in disease. Therefore, it has been classified as a Variant of Uncertain Significance.

CeGaT Center for Human Genetics Tuebingen
Classification: Uncertain significance. Last evaluated: 2018-12-01. Review status: criteria provided, single submitter. Criteria: CeGaT Center For Human Genetics Tuebingen Variant Classification Criteria Version 2. Collection method: clinical testing. Allele origin: germline. Affected: yes. Observed: 1 variant allele.

Breakthrough Genomics
Classification: Uncertain significance. Review status: criteria provided, single submitter. Criteria: ACMG Guidelines, 2015. Collection method: not provided. Allele origin: germline. Inheritance: Autosomal recessive inheritance. Affected: yes.

NM_022916.6(VPS33A):c.340G>C (p.Val114Leu)

Gene: VPS33A (VPS33A core subunit of CORVET and HOPS complexes; minus strand). Cytogenetic location: 12q24.31.
Variant type: single nucleotide variant.
Coding change: c.340G>C on transcript NM_022916.6 (MANE Select); coding-DNA position 340, G replaced by C.
Protein change: p.Val114Leu; replaces valine 114 with leucine.
Molecular consequence: missense variant.
Genome position (GRCh38, 1-based): chr12:122,261,404, C>G on the plus strand (G>C on the coding strand, the complement: VPS33A is on the minus strand). VCF-style: chr12-122261404-C-G. GRCh37 (hg19) VCF-style: chr12-122745951-C-G.
Other names: c.307G>C, p.Val103Leu (NM_001351018.2); c.292G>C, p.Val98Leu (NM_001351019.2); c.340G>C, p.Val114Leu (NM_001351020.2, NM_001351021.2); short protein forms V103L, V114L, V98L.
Identifiers: ClinVar variation 806959 (VCV000806959.45), dbSNP rs147687101, ClinGen allele CA6844620.
Genomic context (GRCh38, chr12:122,261,404, plus strand): 5'-AGGATCCCAAGACACCCAGATCCTTCAACCGCTGTTCGCACAACAGGCTACGGCGTGGCA[C>G]AAACAGAATATGAAAATCTCTCGTTGGGCCTCGTCTATCTTCACTGCAAAGGAAGCAACA-3'
Protein context (NP_075067.2, residues 104-124): GPTRDFHILF[Val114Leu]PRRSLLCEQR